The following is an entry in ClinVar:

NM_001080453.3(INTS1):c.6255+6C>T

Gene: INTS1 (integrator complex subunit 1; minus strand). Cytogenetic location: 7p22.3.
Variant type: single nucleotide variant.
Coding change: c.6255+6C>T on transcript NM_001080453.3 (MANE Select); 6 bases into the intron after coding-DNA position 6255, C replaced by T.
Molecular consequence: intron variant.
Genome position (GRCh38, 1-based): chr7:1,471,565, G>A on the plus strand (C>T on the coding strand, the complement: INTS1 is on the minus strand). VCF-style: chr7-1471565-G-A. GRCh37 (hg19) VCF-style: chr7-1511201-G-A.
Identifiers: ClinVar variation 710330 (VCV000710330.29), dbSNP rs117597074, ClinGen allele CA4118032.

ClinVar aggregate classification (germline): Likely benign. Review status: criteria provided, multiple submitters, no conflicts (2 of 4 stars). 4 submissions from 4 submitters: Likely benign (4). Last evaluated 2026-07-01.

Allele frequency attached by ClinVar (database versions not stated): 1000 Genomes Project 30x 0.00265; 1000 Genomes Project 0.00280; TOPMed 0.00410; gnomAD 0.00441 and 0.00449; ESP Exome Variant Server 0.00459; gnomAD exomes 0.00506 and 0.00669; ExAC 0.00508.
gnomAD v4.1: 10,373 of 1,611,950 alleles (0.64%); highest among the groups gnomAD compares: Middle Eastern, 1.4%; 57 homozygotes.

Submissions (4):

CeGaT Center for Human Genetics Tuebingen
Classification: Likely benign. Last evaluated: 2026-07-01. Review status: criteria provided, single submitter. Criteria: CeGaT Center For Human Genetics Tuebingen Variant Classification Criteria Version 2. Collection method: clinical testing. Allele origin: germline. Affected: yes. Observed: 27 variant alleles.
Comment: INTS1: BP4, BS2

Genomic Medicine Center of Excellence, King Faisal Specialist Hospital and Research Centre
Classification: Likely benign. Last evaluated: 2025-08-18. Review status: criteria provided, single submitter. Criteria: ACMG Guidelines, 2015. Collection method: clinical testing. Allele origin: germline.

Labcorp Genetics (formerly Invitae), Labcorp
Classification: Likely benign. Last evaluated: 2019-12-31. Review status: criteria provided, single submitter. Criteria: Invitae Variant Classification Sherloc (09022015). Collection method: clinical testing. Allele origin: germline.

Breakthrough Genomics
Classification: Likely benign. Review status: criteria provided, single submitter. Criteria: ACMG Guidelines, 2015. Collection method: not provided. Allele origin: germline. Inheritance: Autosomal recessive inheritance. Affected: yes.